The following is an entry in ClinVar:

NM_004629.2(FANCG):c.1246_1247del (p.Leu416fs)

Gene: FANCG (FA complementation group G; minus strand). Cytogenetic location: 9p13.3.
Variant type: Microsatellite.
Coding change: c.1246_1247del on transcript NM_004629.2 (MANE Select); coding-DNA positions 1246 to 1247, 2 bases deleted (CT; older notation c.1246_1247delCT).
Protein change: p.Leu416fs; shifts the reading frame from leucine 416.
Molecular consequence: frameshift variant.
Genome position (GRCh38, 1-based): chr9:35,075,651-35,075,652, AG deleted on the plus strand (CT on the coding strand, the reverse complement: FANCG is on the minus strand); deleting any 2 consecutive bases within chr9:35,075,651-35,075,654 gives the same sequence; the c. name uses the placement nearest the transcript's 3' end. VCF-style (leftmost placement, unchanged base first): chr9-35075650-TAG-T. GRCh37 (hg19) VCF-style: chr9-35075647-TAG-T.
Other names: short protein forms L416fs.
Identifiers: ClinVar variation 1459835 (VCV001459835.6), dbSNP rs2131054083, ClinGen allele CA2579329817.

ClinVar aggregate classification (germline): Pathogenic (1 of 4 stars; one submission).

Conditions:
Fanconi anemia (FA). Also called: Fanconi's anemia. Identifiers: Orphanet 84, MedGen C0015625, MeSH D005199, MONDO:0019391.

Submission:

Labcorp Genetics (formerly Invitae), Labcorp
Classification: Pathogenic for Fanconi anemia. Last evaluated: 2025-10-22. Review status: criteria provided, single submitter. Criteria: Invitae Variant Classification Sherloc (09022015). Collection method: clinical testing. Allele origin: germline.
Comment: This sequence change creates a premature translational stop signal (p.Leu416Metfs*2) in the FANCG gene. It is expected to result in an absent or disrupted protein product. Loss-of-function variants in FANCG are known to be pathogenic (PMID: 12552564). This variant is not present in population databases (gnomAD no frequency). This variant has not been reported in the literature in individuals affected with FANCG-related conditions. Algorithms developed to predict the effect of sequence changes on RNA splicing suggest that this variant may disrupt the consensus splice site. For these reasons, this variant has been classified as Pathogenic.

Literature cited by the submitters: PubMed 12552564.